The following is an entry in ClinVar:

ClinVar aggregate classification (germline): Benign. Review status: criteria provided, multiple submitters, no conflicts (2 of 4 stars). 2 submissions from 2 submitters: Benign (2). Last evaluated 2018-06-19.

Allele frequency attached by ClinVar (database versions not stated): 1000 Genomes Project 0.06170; 1000 Genomes Project 30x 0.06215; TOPMed 0.06599; ESP Exome Variant Server 0.07470; gnomAD 0.07545 and 0.07564; gnomAD exomes 0.07628 and 0.07839; ExAC 0.08723.
gnomAD v4.1: 113,633 of 1,492,542 alleles (7.6%); highest among the groups gnomAD compares: Middle Eastern, 12%; 4,713 homozygotes.

Submissions (2):

GeneDx
Classification: Benign. Last evaluated: 2018-06-19. Review status: criteria provided, single submitter. Criteria: GeneDx Variant Classification (06012015). Collection method: clinical testing. Allele origin: germline. Affected: yes.
Comment: This variant is considered likely benign or benign based on one or more of the following criteria: it is a conservative change, it occurs at a poorly conserved position in the protein, it is predicted to be benign by multiple in silico algorithms, and/or has population frequency not consistent with disease.

Breakthrough Genomics
Classification: Benign. Review status: criteria provided, single submitter. Criteria: ACMG Guidelines, 2015. Collection method: not provided. Allele origin: germline. Inheritance: Autosomal recessive inheritance. Affected: yes.

NM_020191.4(MRPS22):c.988-33A>G

Gene: MRPS22 (mitochondrial ribosomal protein S22; plus strand). Cytogenetic location: 3q23.
Variant type: single nucleotide variant.
Coding change: c.988-33A>G on transcript NM_020191.4 (MANE Select); 33 bases into the intron before coding-DNA position 988, A replaced by G.
Molecular consequence: intron variant.
Genome position (GRCh38, 1-based): chr3:139,356,886, A>G. VCF-style: chr3-139356886-A-G. GRCh37 (hg19) VCF-style: chr3-139075728-A-G.
Other names: c.985-33A>G (NM_001363893.1); c.865-33A>G (NM_001363857.1).
Identifiers: ClinVar variation 671700 (VCV000671700.2), dbSNP rs78116750, ClinGen allele CA2640896.